The following is an entry in ClinVar:

ClinVar aggregate classification (germline): Pathogenic (1 of 4 stars; one submission).

Submission:

Labcorp Genetics (formerly Invitae), Labcorp
Classification: Pathogenic. Last evaluated: 2023-11-25. Review status: criteria provided, single submitter. Criteria: Invitae Variant Classification Sherloc (09022015). Collection method: clinical testing. Allele origin: unknown.
Comment: This variant is a gross deletion of the genomic region encompassing exon(s) 31 of the PCNT gene. This deletion is out-of-frame, and is expected to create a premature termination codon and result in an absent or disrupted protein product. Loss-of-function variants in PCNT are known to be pathogenic (PMID: 18174396, 22821869). This variant has not been reported in the literature in individuals affected with PCNT-related conditions. For these reasons, this variant has been classified as Pathogenic.

Literature cited by the submitters: PubMed 18174396; PubMed 22821869.

NC_000021.8:g.(?_47838098)_(47838240_?)del

Gene: PCNT (pericentrin; plus strand). Cytogenetic location: 21q22.3.
Variant type: Deletion.
Identifiers: ClinVar variation 3248189 (VCV003248189.1).